The following is an entry in ClinVar:

NM_004082.5(DCTN1):c.3562C>G (p.Gln1188Glu)

Gene: DCTN1 (dynactin subunit 1; minus strand). Cytogenetic location: 2p13.1.
Variant type: single nucleotide variant.
Coding change: c.3562C>G on transcript NM_004082.5 (MANE Select); coding-DNA position 3562, C replaced by G.
Protein change: p.Gln1188Glu; replaces glutamine 1188 with glutamic acid.
Molecular consequence: missense variant. On other transcripts: non-coding transcript variant (1).
Genome position (GRCh38, 1-based): chr2:74,362,697, G>C on the plus strand (C>G on the coding strand, the complement: DCTN1 is on the minus strand). VCF-style: chr2-74362697-G-C. GRCh37 (hg19) VCF-style: chr2-74589824-G-C.
Other names: c.3487C>G, p.Gln1163Glu (NM_001135040.3); c.3145C>G, p.Gln1049Glu (NM_001135041.3); c.3436C>G, p.Gln1146Glu (NM_001190836.2); c.3541C>G, p.Gln1181Glu (NM_001190837.2); c.3511C>G, p.Gln1171Glu (NM_001378991.1); c.3493C>G, p.Gln1165Glu (NM_001378992.1); c.3160C>G, p.Gln1054Glu (NM_023019.4); short protein forms Q1163E, Q1171E, Q1146E, Q1165E, Q1181E, Q1049E, Q1054E, Q1188E.
Identifiers: ClinVar variation 1732718 (VCV001732718.2), dbSNP rs2529078263, ClinGen allele CA347336780.

ClinVar aggregate classification (germline): Uncertain significance (1 of 4 stars; one submission).

Conditions:
Inborn genetic diseases. Identifiers: MedGen C0950123, MeSH D030342.

Allele frequency attached by ClinVar (database versions not stated): gnomAD exomes 0.00001.
gnomAD v4.1: 3 of 1,614,032 alleles (0.00019%); highest among the groups gnomAD compares: Non-Finnish European, 0.00025%; no homozygotes.

Submission:

Ambry Genetics
Classification: Uncertain significance for Inborn genetic diseases. Last evaluated: 2020-10-30. Review status: criteria provided, single submitter. Criteria: Ambry Variant Classification Scheme 2023. Collection method: clinical testing. Allele origin: germline.
Comment: The p.Q1188E variant (also known as c.3562C>G), located in coding exon 30 of the DCTN1 gene, results from a C to G substitution at nucleotide position 3562. The glutamine at codon 1188 is replaced by glutamic acid, an amino acid with highly similar properties. This amino acid position is highly conserved in available vertebrate species. In addition, the in silico prediction for this alteration is inconclusive. Since supporting evidence is limited at this time, the clinical significance of this alteration remains unclear.